The following continues an entry in ClinVar:

NM_002834.5(PTPN11):c.215C>T (p.Ala72Val)

Gene: PTPN11. ClinVar aggregate classification (germline): Pathogenic/Likely pathogenic. Pathogenic (2); Likely pathogenic (1). ClinVar aggregate classification (somatic clinical impact): Tier I - Strong.

Literature cited by the submitters, continued: PubMed 14982869 (cited by Labcorp Genetics (formerly Invitae), Labcorp and Women's Health and Genetics/Laboratory Corporation of America, LabCorp); PubMed 15385933 (cited by Labcorp Genetics (formerly Invitae), Labcorp and Women's Health and Genetics/Laboratory Corporation of America, LabCorp); PubMed 30896080 (cited by Labcorp Genetics (formerly Invitae), Labcorp and Women's Health and Genetics/Laboratory Corporation of America, LabCorp); PubMed 15834506 (cited by Labcorp Genetics (formerly Invitae), Labcorp and Institute for Genomic Medicine (IGM) Clinical Laboratory, Nationwide Children's Hospital); PubMed 16358218 (cited by 3 submitters); PubMed 17177198 (cited by Labcorp Genetics (formerly Invitae), Labcorp and Women's Health and Genetics/Laboratory Corporation of America, LabCorp); PubMed 28074573 (cited by Labcorp Genetics (formerly Invitae), Labcorp); PubMed 12161469 (cited by Labcorp Genetics (formerly Invitae), Labcorp); PubMed 18759865 (cited by Labcorp Genetics (formerly Invitae), Labcorp); PubMed 26918529 (cited by Labcorp Genetics (formerly Invitae), Labcorp); PubMed 28966033 (cited by Institute for Genomic Medicine (IGM) Clinical Laboratory, Nationwide Children's Hospital); PubMed 29763623 (cited by Institute for Genomic Medicine (IGM) Clinical Laboratory, Nationwide Children's Hospital); PubMed 28912153 (cited by Institute for Genomic Medicine (IGM) Clinical Laboratory, Nationwide Children's Hospital); PubMed 35697228 (cited by Institute for Genomic Medicine (IGM) Clinical Laboratory, Nationwide Children's Hospital); PubMed 25097206 (cited by Women's Health and Genetics/Laboratory Corporation of America, LabCorp); PubMed 19047918 (cited by Women's Health and Genetics/Laboratory Corporation of America, LabCorp); PubMed 19179468 (cited by Women's Health and Genetics/Laboratory Corporation of America, LabCorp); PubMed 17972951 (cited by Women's Health and Genetics/Laboratory Corporation of America, LabCorp); PubMed 15710330 (cited by Women's Health and Genetics/Laboratory Corporation of America, LabCorp); PubMed 25395418 (cited by Women's Health and Genetics/Laboratory Corporation of America, LabCorp); PubMed 27276561 (cited by Women's Health and Genetics/Laboratory Corporation of America, LabCorp); PubMed 32561839 (cited by Women's Health and Genetics/Laboratory Corporation of America, LabCorp); PubMed 23817572 (cited by Institute for Genomic Medicine (IGM) Clinical Laboratory, Nationwide Children's Hospital); PubMed 32164789 (cited by Institute for Genomic Medicine (IGM) Clinical Laboratory, Nationwide Children's Hospital); PubMed 9491886 (cited by Institute for Genomic Medicine (IGM) Clinical Laboratory, Nationwide Children's Hospital); PubMed 16053901 (cited by Institute for Genomic Medicine (IGM) Clinical Laboratory, Nationwide Children's Hospital); PubMed 24436047 (cited by Institute for Genomic Medicine (IGM) Clinical Laboratory, Nationwide Children's Hospital); PubMed 34166060 (cited by Institute for Genomic Medicine (IGM) Clinical Laboratory, Nationwide Children's Hospital); PubMed 26138366 (cited by Institute for Genomic Medicine (IGM) Clinical Laboratory, Nationwide Children's Hospital); PubMed 16518851 (cited by Institute for Genomic Medicine (IGM) Clinical Laboratory, Nationwide Children's Hospital); PubMed 19681119 (cited by Institute for Genomic Medicine (IGM) Clinical Laboratory, Nationwide Children's Hospital); PubMed 22142829 (cited by Institute for Genomic Medicine (IGM) Clinical Laboratory, Nationwide Children's Hospital).